The following is an entry in ClinVar:

NM_001453.3(FOXC1):c.249C>A (p.Tyr83Ter)

Genes: FOXC1 (forkhead box C1; plus strand), LOC129995601 (ATAC-STARR-seq lymphoblastoid active region 23864; plus strand). Cytogenetic location: 6p25.3.
Variant type: single nucleotide variant.
Coding change: c.249C>A on transcript NM_001453.3 (MANE Select); coding-DNA position 249, C replaced by A.
Protein change: p.Tyr83Ter; replaces tyrosine 83 with a stop codon.
Molecular consequence: nonsense.
Genome position (GRCh38, 1-based): chr6:1,610,694, C>A. VCF-style: chr6-1610694-C-A. GRCh37 (hg19) VCF-style: chr6-1610929-C-A.
Other names: short protein forms Y83*.
Identifiers: ClinVar variation 2699289 (VCV002699289.3), dbSNP rs527271139, ClinGen allele CA362558399.

ClinVar aggregate classification (germline): Pathogenic (1 of 4 stars; one submission).

Conditions:
Axenfeld-Rieger syndrome type 3 (RIEG3). Also called: AXENFELD-RIEGER ANOMALY WITH CARDIAC DEFECTS AND/OR SENSORINEURAL HEARING LOSS. Identifiers: Orphanet 782, MedGen C2678503, MONDO:0011233, OMIM 602482.

Submission:

Labcorp Genetics (formerly Invitae), Labcorp
Classification: Pathogenic for Axenfeld-Rieger syndrome type 3. Last evaluated: 2023-11-27. Review status: criteria provided, single submitter. Criteria: Invitae Variant Classification Sherloc (09022015). Collection method: clinical testing. Allele origin: germline.
Comment: This sequence change creates a premature translational stop signal (p.Tyr83*) in the FOXC1 gene. While this is not anticipated to result in nonsense mediated decay, it is expected to disrupt the last 471 amino acid(s) of the FOXC1 protein. This variant is not present in population databases (gnomAD no frequency). This variant has not been reported in the literature in individuals affected with FOXC1-related conditions. This variant disrupts a region of the FOXC1 protein in which other variant(s) (p.Tyr497*) have been determined to be pathogenic (PMID: 28513611; Invitae). This suggests that this is a clinically significant region of the protein, and that variants that disrupt it are likely to be disease-causing. For these reasons, this variant has been classified as Pathogenic.

Literature cited by the submitters: PubMed 28513611.